The following is an entry in ClinVar:

ClinVar aggregate classification (germline): Conflicting classifications of pathogenicity. Review status: criteria provided, conflicting classifications (1 of 4 stars). 3 submissions from 3 submitters: Uncertain significance (2); Likely benign (1). Last evaluated 2025-12-16.

Conditions:
Hereditary cancer-predisposing syndrome. Also called: Tumor predisposition; Neoplastic Syndromes, Hereditary; Hereditary neoplastic syndrome; Hereditary Cancer Syndrome. Identifiers: Orphanet 140162, MedGen C0027672, MeSH D009386, MONDO:0015356.
Hereditary breast ovarian cancer syndrome. Also called: Hereditary breast and ovarian cancer; Hereditary breast and ovarian cancer syndrome (HBOC); Breast and ovarian cancer; Hereditary breast and ovarian cancer syndrome; BRCA1- and BRCA2-Associated Hereditary Breast and Ovarian Cancer; Hereditary breast and/or ovarian cancer syndrome. Identifiers: Orphanet 145, MedGen C0677776, MeSH D061325, MONDO:0003582. Disease mechanism: loss of function.

Allele frequency attached by ClinVar (database versions not stated): gnomAD exomes below 0.00001.
gnomAD v4.1: 1 of 1,602,214 alleles (0.000062%); highest among the groups gnomAD compares: Non-Finnish European, 0.000086%; no homozygotes.

Submissions (3):

Labcorp Genetics (formerly Invitae), Labcorp
Classification: Likely benign for Hereditary breast ovarian cancer syndrome. Last evaluated: 2025-12-16. Review status: criteria provided, single submitter. Criteria: Invitae Variant Classification Sherloc (09022015). Collection method: clinical testing. Allele origin: germline.

Ambry Genetics
Classification: Uncertain significance for Hereditary cancer-predisposing syndrome. Last evaluated: 2023-05-26. Review status: criteria provided, single submitter. Criteria: Ambry Variant Classification Scheme 2023. Collection method: clinical testing. Allele origin: germline.
Comment: The p.Q2342P variant (also known as c.7025A>C), located in coding exon 13 of the BRCA2 gene, results from an A to C substitution at nucleotide position 7025. The glutamine at codon 2342 is replaced by proline, an amino acid with similar properties. This amino acid position is not well conserved in available vertebrate species. In addition, the in silico prediction for this alteration is inconclusive. Since supporting evidence is limited at this time, the clinical significance of this alteration remains unclear.

Color Diagnostics, LLC DBA Color Health
Classification: Uncertain significance for Hereditary cancer-predisposing syndrome. Last evaluated: 2019-06-28. Review status: criteria provided, single submitter. Criteria: ACMG Guidelines, 2015. Collection method: clinical testing. Allele origin: germline.

NM_000059.4(BRCA2):c.7025A>C (p.Gln2342Pro)

Gene: BRCA2 (BRCA2 DNA repair associated; plus strand). Cytogenetic location: 13q13.1.
Variant type: single nucleotide variant.
Coding change: c.7025A>C on transcript NM_000059.4 (MANE Select); coding-DNA position 7025, A replaced by C.
Protein change: p.Gln2342Pro; replaces glutamine 2342 with proline.
Molecular consequence: missense variant.
Genome position (GRCh38, 1-based): chr13:32,354,878, A>C. VCF-style: chr13-32354878-A-C. GRCh37 (hg19) VCF-style: chr13-32929015-A-C.
Other names: short protein forms Q2342P.
Identifiers: ClinVar variation 631067 (VCV000631067.18), dbSNP rs1555285981, ClinGen allele CA387794132.